The following is an entry in ClinVar:

NM_013266.4(CTNNA3):c.644C>T (p.Ser215Phe)

Gene: CTNNA3 (catenin alpha 3; minus strand). Cytogenetic location: 10q21.3.
Variant type: single nucleotide variant.
Coding change: c.644C>T on transcript NM_013266.4 (MANE Select); coding-DNA position 644, C replaced by T.
Protein change: p.Ser215Phe; replaces serine 215 with phenylalanine.
Molecular consequence: missense variant.
Genome position (GRCh38, 1-based): chr10:67,219,806, G>A on the plus strand (C>T on the coding strand, the complement: CTNNA3 is on the minus strand). VCF-style: chr10-67219806-G-A. GRCh37 (hg19) VCF-style: chr10-68979564-G-A.
Other names: c.644C>T, p.Ser215Phe (NM_001127384.3); c.680C>T, p.Ser227Phe (NM_001291133.2); short protein forms S215F, S227F.
Identifiers: ClinVar variation 854030 (VCV000854030.12), dbSNP rs146441824, ClinGen allele CA5520527.

ClinVar aggregate classification (germline): Uncertain significance. Review status: criteria provided, multiple submitters, no conflicts (2 of 4 stars). 3 submissions from 3 submitters: Uncertain significance (3). Last evaluated 2025-05-17.

Conditions:
Arrhythmogenic right ventricular dysplasia 13. Also called: ARRHYTHMOGENIC RIGHT VENTRICULAR CARDIOMYOPATHY 13; Arrhythmogenic right ventricular dysplasia, familial, 13. Identifiers: MedGen C3810138, MONDO:0000908, OMIM 615616.

Allele frequency attached by ClinVar (database versions not stated): gnomAD exomes 0.00002 and 0.00001; gnomAD 0.00003 and 0.00005; TOPMed 0.00006; ExAC 0.00002; ESP Exome Variant Server 0.00023.
gnomAD v4.1: 16 of 1,613,768 alleles (0.00099%); highest among the groups gnomAD compares: African/African-American, 0.015%; no homozygotes.

Submissions (3):

Labcorp Genetics (formerly Invitae), Labcorp
Classification: Uncertain significance for Arrhythmogenic right ventricular dysplasia 13. Last evaluated: 2025-05-17. Review status: criteria provided, single submitter. Criteria: Invitae Variant Classification Sherloc (09022015). Collection method: clinical testing. Allele origin: germline.
Comment: This sequence change replaces serine, which is neutral and polar, with phenylalanine, which is neutral and non-polar, at codon 215 of the CTNNA3 protein (p.Ser215Phe). The frequency data for this variant in the population databases is considered unreliable, as metrics indicate poor data quality at this position in the gnomAD database. This variant has not been reported in the literature in individuals affected with CTNNA3-related conditions. ClinVar contains an entry for this variant (Variation ID: 854030). Invitae Evidence Modeling of protein sequence and biophysical properties (such as structural, functional, and spatial information, amino acid conservation, physicochemical variation, residue mobility, and thermodynamic stability) indicates that this missense variant is expected to disrupt CTNNA3 protein function with a positive predictive value of 80%. In summary, the available evidence is currently insufficient to determine the role of this variant in disease. Therefore, it has been classified as a Variant of Uncertain Significance.

Blueprint Genetics
Classification: Uncertain significance. Last evaluated: 2024-04-05. Review status: criteria provided, single submitter. Criteria: ACMG Guidelines, 2015. Collection method: clinical testing. Allele origin: germline.

Ambry Genetics
Classification: Uncertain significance. Last evaluated: 2023-12-07. Review status: criteria provided, single submitter. Criteria: Ambry Variant Classification Scheme 2023. Collection method: clinical testing. Allele origin: germline.
Comment: The p.S215F variant (also known as c.644C>T), located in coding exon 5 of the CTNNA3 gene, results from a C to T substitution at nucleotide position 644. The serine at codon 215 is replaced by phenylalanine, an amino acid with highly dissimilar properties. This amino acid position is conserved. In addition, the in silico prediction for this alteration is inconclusive. Since supporting evidence is limited at this time, the clinical significance of this alteration remains unclear.